The following is an entry in ClinVar:

NM_001374736.1(DST):c.16526A>T (p.Gln5509Leu)

Gene: DST (dystonin; minus strand). Cytogenetic location: 6p12.1.
Variant type: single nucleotide variant.
Coding change: c.16526A>T on transcript NM_001374736.1 (MANE Select); coding-DNA position 16526, A replaced by T.
Protein change: p.Gln5509Leu; replaces glutamine 5509 with leucine.
Molecular consequence: missense variant.
Genome position (GRCh38, 1-based): chr6:56,552,266, T>A on the plus strand (A>T on the coding strand, the complement: DST is on the minus strand). VCF-style: chr6-56552266-T-A. GRCh37 (hg19) VCF-style: chr6-56417064-T-A.
Other names: c.10169A>T, p.Gln3390Leu (NM_001144769.5); c.9755A>T, p.Gln3252Leu (NM_001144770.2); c.16526A>T, p.Gln5509Leu (NM_001374722.1); c.15893A>T, p.Gln5298Leu (NM_001374729.1); c.9635A>T, p.Gln3212Leu (NM_001374730.1, NM_001386100.1, NM_183380.4); c.16553A>T, p.Gln5518Leu (NM_001374734.1); c.8657A>T, p.Gln2886Leu (NM_015548.5); short protein forms Q2886L, Q3212L, Q3252L, Q3390L, Q5298L, Q5509L, Q5518L.
Identifiers: ClinVar variation 3761350 (VCV003761350.2).

ClinVar aggregate classification (germline): Uncertain significance (1 of 4 stars; one submission).

Conditions:
Epidermolysis bullosa simplex 3, localized or generalized intermediate, with BP230 deficiency (EBS3). Also called: Epidermolysis bullosa simplex due to BP230 deficiency; Epidermolysis bullosa simplex, autosomal recessive 2. Identifiers: Orphanet 412181, MedGen C3809470, MONDO:0014180, OMIM 615425.
Hereditary sensory and autonomic neuropathy type 6. Also called: Neuropathy, hereditary sensory and autonomic, type VI; HSAN VI. Identifiers: Orphanet 314381, MedGen C3539003, MONDO:0013839, OMIM 614653.

gnomAD v4.1: 26 of 1,614,052 alleles (0.0016%); highest among the groups gnomAD compares: Non-Finnish European, 0.0022%; no homozygotes.

Submission:

Labcorp Genetics (formerly Invitae), Labcorp
Classification: Uncertain significance for Epidermolysis bullosa simplex 3, localized or generalized intermediate, with BP230 deficiency; Hereditary sensory and autonomic neuropathy type 6. Last evaluated: 2024-04-08. Review status: criteria provided, single submitter. Criteria: Invitae Variant Classification Sherloc (09022015). Collection method: clinical testing. Allele origin: germline.
Comment: The DST gene has multiple clinically relevant transcripts. This variant occurs in alternate transcript NM_015548.4, and corresponds to NM_001723.5:c.*63251A>T in the primary transcript. This sequence change replaces glutamine, which is neutral and polar, with leucine, which is neutral and non-polar, at codon 2886 of the DST protein (p.Gln2886Leu). This variant is present in population databases (rs777266443, gnomAD 0.003%). This variant has not been reported in the literature in individuals affected with DST-related conditions. Experimental studies and prediction algorithms are not available or were not evaluated, and the functional significance of this variant is currently unknown. In summary, the available evidence is currently insufficient to determine the role of this variant in disease. Therefore, it has been classified as a Variant of Uncertain Significance.